The following is an entry in ClinVar:

ClinVar aggregate classification (germline): Uncertain significance. Review status: criteria provided, multiple submitters, no conflicts (2 of 4 stars). 2 submissions from 2 submitters: Uncertain significance (2). Last evaluated 2025-04-19.

Conditions:
Inborn genetic diseases. Identifiers: MedGen C0950123, MeSH D030342.

Allele frequency attached by ClinVar (database versions not stated): gnomAD exomes 0.00001; TOPMed 0.00002; ExAC 0.00008; ESP Exome Variant Server 0.00008.
gnomAD v4.1: 13 of 1,612,548 alleles (0.00081%); highest among the groups gnomAD compares: East Asian, 0.02%; no homozygotes.

Submissions (2):

Ambry Genetics
Classification: Uncertain significance for Inborn genetic diseases. Last evaluated: 2025-04-19. Review status: criteria provided, single submitter. Criteria: Ambry Variant Classification Scheme 2023. Collection method: clinical testing. Allele origin: germline.

Labcorp Genetics (formerly Invitae), Labcorp
Classification: Uncertain significance. Last evaluated: 2023-08-04. Review status: criteria provided, single submitter. Criteria: Invitae Variant Classification Sherloc (09022015). Collection method: clinical testing. Allele origin: germline.
Comment: In summary, the available evidence is currently insufficient to determine the role of this variant in disease. Therefore, it has been classified as a Variant of Uncertain Significance. An algorithm developed to predict the effect of missense changes on protein structure and function (PolyPhen-2) suggests that this variant¬†is likely to be tolerated. ClinVar contains an entry for this variant (Variation ID: 1963962). This variant has not been reported in the literature in individuals affected with TPI1-related conditions. This variant is present in population databases (rs375230418, gnomAD 0.07%). This sequence change replaces proline, which is neutral and non-polar, with leucine, which is neutral and non-polar, at codon 3 of the TPI1 protein (p.Pro3Leu).

NM_000365.6(TPI1):c.8C>T (p.Pro3Leu)

Gene: TPI1 (triosephosphate isomerase 1; plus strand). Cytogenetic location: 12p13.31.
Variant type: single nucleotide variant.
Coding change: c.8C>T on transcript NM_000365.6 (MANE Select); coding-DNA position 8, C replaced by T.
Protein change: p.Pro3Leu; replaces proline 3 with leucine.
Molecular consequence: missense variant.
Genome position (GRCh38, 1-based): chr12:6,867,574, C>T. VCF-style: chr12-6867574-C-T. GRCh37 (hg19) VCF-style: chr12-6976738-C-T.
Other names: c.119C>T, p.Pro40Leu (NM_001159287.1); c.8C>T (NM_000365.5); short protein forms P40L, P3L.
Identifiers: ClinVar variation 1963962 (VCV001963962.5), dbSNP rs375230418, ClinGen allele CA6418792.